The following is an entry in ClinVar:

NM_001005373.4(LRSAM1):c.12C>A (p.Phe4Leu)

Gene: LRSAM1 (leucine rich repeat and sterile alpha motif containing 1; plus strand). Cytogenetic location: 9q33.3.
Variant type: single nucleotide variant.
Coding change: c.12C>A on transcript NM_001005373.4 (MANE Select); coding-DNA position 12, C replaced by A.
Protein change: p.Phe4Leu; replaces phenylalanine 4 with leucine.
Molecular consequence: missense variant. On other transcripts: 5 prime UTR variant (1), non-coding transcript variant (2).
Genome position (GRCh38, 1-based): chr9:127,454,539, C>A. VCF-style: chr9-127454539-C-A. GRCh37 (hg19) VCF-style: chr9-130216818-C-A.
Other names: c.12C>A, p.Phe4Leu (NM_001005374.4, NM_001190723.3, NM_001384142.1 and 2 more transcripts); c.-773C>A (NM_001384144.1); short protein forms F4L.
Identifiers: ClinVar variation 3626619 (VCV003626619.2).
Genomic context (GRCh38, chr9:127,454,539, plus strand): 5'-TCTCTCCTGTGCCCCAGGGTCCTAAAGATCGCTCTGGGAAAAGGGAAGGATGCCGCTCTT[C>A]TTCCGGAAGCGGAAACCCAGTGAGGAGGCTCGGAAACGCCTGGAGTACCAGATGTGTTTG-3'
Protein context (NP_001005373.1, residues 1-14): MPL[Phe4Leu]FRKRKPSEEA

ClinVar aggregate classification (germline): Uncertain significance (1 of 4 stars; one submission).

Conditions:
Charcot-Marie-Tooth disease axonal type 2P. Also called: CHARCOT-MARIE-TOOTH NEUROPATHY, TYPE 2P; CHARCOT-MARIE-TOOTH DISEASE, AXONAL, TYPE 2G; CMT 2G; Charcot-Marie-Tooth Neuropathy Type 2G. Identifiers: Orphanet 300319, Orphanet 99941, MedGen C3280797, MONDO:0013753, OMIM 614436.

gnomAD v4.1: 7 of 1,614,128 alleles (0.00043%); highest among the groups gnomAD compares: Non-Finnish European, 0.00025%; no homozygotes.

Submission:

Labcorp Genetics (formerly Invitae), Labcorp
Classification: Uncertain significance for Charcot-Marie-Tooth disease axonal type 2P. Last evaluated: 2025-09-02. Review status: criteria provided, single submitter. Criteria: Invitae Variant Classification Sherloc (09022015). Collection method: clinical testing. Allele origin: germline.
Comment: This sequence change replaces phenylalanine, which is neutral and non-polar, with leucine, which is neutral and non-polar, at codon 4 of the LRSAM1 protein (p.Phe4Leu). This variant is present in population databases (rs753536686, gnomAD 0.03%). This variant has not been reported in the literature in individuals affected with LRSAM1-related conditions. ClinVar contains an entry for this variant (Variation ID: 3626619). An algorithm developed to predict the effect of missense changes on protein structure and function (PolyPhen-2) suggests that this variant is likely to be disruptive. In summary, the available evidence is currently insufficient to determine the role of this variant in disease. Therefore, it has been classified as a Variant of Uncertain Significance.